The following is an entry in ClinVar:

NM_004064.5(CDKN1B):c.274C>A (p.Pro92Thr)

Gene: CDKN1B (cyclin dependent kinase inhibitor 1B; plus strand). Cytogenetic location: 12p13.1.
Variant type: single nucleotide variant.
Coding change: c.274C>A on transcript NM_004064.5 (MANE Select); coding-DNA position 274, C replaced by A.
Protein change: p.Pro92Thr; replaces proline 92 with threonine.
Molecular consequence: missense variant.
Genome position (GRCh38, 1-based): chr12:12,718,113, C>A. VCF-style: chr12-12718113-C-A. GRCh37 (hg19) VCF-style: chr12-12871047-C-A.
Other names: short protein forms P92T.
Identifiers: ClinVar variation 2017011 (VCV002017011.4), dbSNP rs868695692, ClinGen allele CA383969952.

ClinVar aggregate classification (germline): Uncertain significance (1 of 4 stars; one submission).

Conditions:
Multiple endocrine neoplasia type 4. Also called: MULTIPLE ENDOCRINE NEOPLASIA, TYPE IV. Identifiers: Orphanet 276152, MedGen C1970712, MONDO:0012552, OMIM 610755.

gnomAD v4.1: 1 of 1,614,238 alleles (0.000062%); no homozygotes.

Submission:

Labcorp Genetics (formerly Invitae), Labcorp
Classification: Uncertain significance for Multiple endocrine neoplasia type 4. Last evaluated: 2022-07-14. Review status: criteria provided, single submitter. Criteria: Invitae Variant Classification Sherloc (09022015). Collection method: clinical testing. Allele origin: germline.
Comment: In summary, the available evidence is currently insufficient to determine the role of this variant in disease. Therefore, it has been classified as a Variant of Uncertain Significance. Algorithms developed to predict the effect of missense changes on protein structure and function (SIFT, PolyPhen-2, Align-GVGD) all suggest that this variant is likely to be disruptive. This variant has not been reported in the literature in individuals affected with CDKN1B-related conditions. This variant is not present in population databases (gnomAD no frequency). This sequence change replaces proline, which is neutral and non-polar, with threonine, which is neutral and polar, at codon 92 of the CDKN1B protein (p.Pro92Thr).